The following is an entry in ClinVar:

NM_002734.5(PRKAR1A):c.-12C>T

Gene: PRKAR1A (protein kinase cAMP-dependent type I regulatory subunit alpha; plus strand). Cytogenetic location: 17q24.2.
Variant type: single nucleotide variant.
Coding change: c.-12C>T on transcript NM_002734.5 (MANE Select); 12 bases upstream of the start codon, C replaced by T.
Molecular consequence: 5 prime UTR variant. On other transcripts: intron variant (3).
Genome position (GRCh38, 1-based): chr17:68,512,543, C>T. VCF-style: chr17-68512543-C-T. GRCh37 (hg19) VCF-style: chr17-66508684-C-T.
Other names: c.-145C>T (NM_001276289.2); c.-43C>T (NM_212472.2); c.-6-2851C>T (NM_001278433.2); c.-140+401C>T (NM_001369389.1); c.-7+401C>T (NM_212471.3).
Identifiers: ClinVar variation 1046124 (VCV001046124.6), dbSNP rs2085291306, ClinGen allele CA2272250405.
Genomic context (GRCh38, chr17:68,512,543, plus strand): 5'-CTGAGGGAGCTCGGTACGCCGCCGCCTCGCACCCGCAGCCTCGCGCCCGCCGCCGCCCGT[C>T]CCCAGGTGAGTGGGGTCGGCCGGGGGCTCAGGCGAGGTGAGCTTCGTCGCTTCGCAGCCG-3'

ClinVar aggregate classification (germline): Uncertain significance (1 of 4 stars; one submission).

Conditions:
Carney complex, type 1 (CNC1). Also called: CARNEY COMPLEX, TYPE I; CARNEY MYXOMA-ENDOCRINE COMPLEX. Identifiers: Orphanet 1359, MedGen C2607929, MONDO:0008057, OMIM 160980.

Submission:

Labcorp Genetics (formerly Invitae), Labcorp
Classification: Uncertain significance for Carney complex, type 1. Last evaluated: 2025-11-14. Review status: criteria provided, single submitter. Criteria: Invitae Variant Classification Sherloc (09022015). Collection method: clinical testing. Allele origin: germline.
Comment: This variant occurs in a non-coding region of the PRKAR1A gene. It does not change the encoded amino acid sequence of the PRKAR1A protein. This variant is not present in population databases (gnomAD no frequency). This variant has not been reported in the literature in individuals affected with PRKAR1A-related conditions. ClinVar contains an entry for this variant (Variation ID: 1046124). Experimental studies and prediction algorithms are not available or were not evaluated, and the functional significance of this variant is currently unknown. In summary, the available evidence is currently insufficient to determine the role of this variant in disease. Therefore, it has been classified as a Variant of Uncertain Significance.